The following is an entry in ClinVar:

NM_001386795.1(DTNA):c.476G>A (p.Ser159Asn)

Gene: DTNA (dystrobrevin alpha; plus strand). Cytogenetic location: 18q12.1.
Variant type: single nucleotide variant.
Coding change: c.476G>A on transcript NM_001386795.1 (MANE Select); coding-DNA position 476, G replaced by A.
Protein change: p.Ser159Asn; replaces serine 159 with asparagine.
Molecular consequence: missense variant.
Genome position (GRCh38, 1-based): chr18:34,811,986, G>A. VCF-style: chr18-34811986-G-A. GRCh37 (hg19) VCF-style: chr18-32391950-G-A.
Other names: c.476G>A, p.Ser159Asn (NM_001128175.2, NM_001198938.2, NM_001198939.2 and 35 more transcripts); short protein forms S159N.
Identifiers: ClinVar variation 326663 (VCV000326663.10), dbSNP rs147115867, ClinGen allele CA8935393.

ClinVar aggregate classification (germline): Conflicting classifications of pathogenicity. Review status: criteria provided, conflicting classifications (1 of 4 stars). 5 submissions from 5 submitters: Uncertain significance (2); Likely benign (3). Last evaluated 2025-11-08.

Conditions:
Left ventricular noncompaction 1 (LVNC1). Also called: LEFT VENTRICULAR NONCOMPACTION 1 WITH OR WITHOUT CONGENITAL HEART DEFECTS. Identifiers: Orphanet 54260, MedGen C1858725, MONDO:0011403, OMIM 604169.
DTNA-related disorder. Also called: DTNA-related condition.

Allele frequency attached by ClinVar (database versions not stated): gnomAD 0.00001 and 0.00003; ExAC 0.00007; gnomAD exomes 0.00009; TOPMed 0.00009; 1000 Genomes Project 30x 0.00031; 1000 Genomes Project 0.00040.
gnomAD v4.1: 49 of 1,613,908 alleles (0.003%); highest among the groups gnomAD compares: East Asian, 0.1%; no homozygotes.

Submissions (5):

Labcorp Genetics (formerly Invitae), Labcorp
Classification: Likely benign for Left ventricular noncompaction 1. Last evaluated: 2025-11-08. Review status: criteria provided, single submitter. Criteria: Invitae Variant Classification Sherloc (09022015). Collection method: clinical testing. Allele origin: germline.

Ambry Genetics
Classification: Uncertain significance. Last evaluated: 2025-04-24. Review status: criteria provided, single submitter. Criteria: Ambry Variant Classification Scheme 2023. Collection method: clinical testing. Allele origin: germline.

PreventionGenetics, part of Exact Sciences
Classification: Likely benign for DTNA-related condition. Last evaluated: 2025-01-19. Review status: criteria provided, single submitter. Criteria: ACMG Guidelines, 2015. Collection method: clinical testing. Allele origin: germline.
Comment: This variant is classified as likely benign based on ACMG/AMP sequence variant interpretation guidelines (Richards et al. 2015 PMID: 25741868, with internal and published modifications).

Women's Health and Genetics/Laboratory Corporation of America, LabCorp
Classification: Likely benign. Last evaluated: 2023-06-10. Review status: criteria provided, single submitter. Criteria: LabCorp Variant Classification Summary - May 2015. Collection method: clinical testing. Allele origin: germline.

GeneDx
Classification: Uncertain significance. Last evaluated: 2018-08-22. Review status: criteria provided, single submitter. Criteria: GeneDx Variant Classification (06012015). Collection method: clinical testing. Allele origin: germline. Affected: yes.
Comment: A variant of uncertain significance has been identified in the DTNA gene. The S159N variant has not been published as pathogenic or been reported as benign to our knowledge. This variant is observed in 17/18,854 (0.09%) alleles from individuals of East Asian ancestry in large population cohorts (Lek et al., 2016). The S159N variant is a conservative amino acid substitution, which is not likely to impact secondary protein structure as these residues share similar properties. In-silico analyses, including protein predictors and evolutionary conservation, support that this variant does not alter protein structure/function.Therefore, based on the currently available information, it is unclear whether this variant is pathogenic or benign.